The following is an entry in ClinVar:

ClinVar aggregate classification (germline): Uncertain significance. Review status: criteria provided, multiple submitters, no conflicts (2 of 4 stars). 2 submissions from 2 submitters: Uncertain significance (2). Last evaluated 2026-02-18.

Conditions:
PCNT-related disorder. Also called: PCNT-related condition.
Inborn genetic diseases. Identifiers: MedGen C0950123, MeSH D030342.

Allele frequency attached by ClinVar (database versions not stated): gnomAD exomes below 0.00001; TOPMed 0.00001; ExAC 0.00005; ESP Exome Variant Server 0.00008.
gnomAD v4.1: 1 of 1,554,372 alleles (0.000064%); highest among the groups gnomAD compares: African/African-American, 0.0014%; no homozygotes.

Submissions (2):

PreventionGenetics, part of Exact Sciences
Classification: Uncertain significance for PCNT-related condition. Last evaluated: 2026-02-18. Review status: criteria provided, single submitter. Criteria: ACMG Guidelines, 2015. Collection method: clinical testing. Allele origin: germline.
Comment: The PCNT c.7946A>G variant is predicted to result in the amino acid substitution p.Lys2649Arg. To our knowledge, this variant has not been reported in the literature. This variant is reported in 0.011% of alleles in individuals of African descent in gnomAD. At this time, the clinical significance of this variant is uncertain due to the absence of conclusive functional and genetic evidence.

Ambry Genetics
Classification: Uncertain significance for Inborn genetic diseases. Last evaluated: 2024-03-08. Review status: criteria provided, single submitter. Criteria: Ambry Variant Classification Scheme 2023. Collection method: clinical testing. Allele origin: germline.

NM_006031.6(PCNT):c.7946A>G (p.Lys2649Arg)

Gene: PCNT (pericentrin; plus strand). Cytogenetic location: 21q22.3.
Variant type: single nucleotide variant.
Coding change: c.7946A>G on transcript NM_006031.6 (MANE Select); coding-DNA position 7946, A replaced by G.
Protein change: p.Lys2649Arg; replaces lysine 2649 with arginine.
Molecular consequence: missense variant.
Genome position (GRCh38, 1-based): chr21:46,430,539, A>G. VCF-style: chr21-46430539-A-G. GRCh37 (hg19) VCF-style: chr21-47850453-A-G.
Other names: c.7592A>G, p.Lys2531Arg (NM_001315529.2); short protein forms K2531R, K2649R.
Identifiers: ClinVar variation 3210380 (VCV003210380.2), dbSNP rs373282346, ClinGen allele CA10080842.